The following is an entry in ClinVar:

NM_017866.6(TMEM70):c.739A>G (p.Met247Val)

Gene: TMEM70 (transmembrane protein 70; plus strand). Cytogenetic location: 8q21.11.
Variant type: single nucleotide variant.
Coding change: c.739A>G on transcript NM_017866.6 (MANE Select); coding-DNA position 739, A replaced by G.
Protein change: p.Met247Val; replaces methionine 247 with valine.
Molecular consequence: missense variant. On other transcripts: 3 prime UTR variant (1), non-coding transcript variant (1).
Genome position (GRCh38, 1-based): chr8:73,981,577, A>G. VCF-style: chr8-73981577-A-G. GRCh37 (hg19) VCF-style: chr8-74893812-A-G.
Other names: c.*429A>G (NM_001040613.3); short protein forms M247V.
Identifiers: ClinVar variation 660769 (VCV000660769.7), dbSNP rs1397722218, ClinGen allele CA371490642.

ClinVar aggregate classification (germline): Uncertain significance (1 of 4 stars; one submission).

Conditions:
Mitochondrial complex V (ATP synthase) deficiency, nuclear type 2. Also called: Nuclear-Encoded ATPase Deficiency, TMEM70-Related; ENCEPHALOCARDIOMYOPATHY, MITOCHONDRIAL, NEONATAL, DUE TO ATP SYNTHASE DEFICIENCY; MITOCHONDRIAL COMPLEX V (ATP SYNTHASE) DEFICIENCY, TMEM70 TYPE. Identifiers: Orphanet 1194, MedGen C3279699, MONDO:0013546, OMIM 614052.

Allele frequency attached by ClinVar (database versions not stated): gnomAD exomes below 0.00001; gnomAD 0.00001; TOPMed 0.00003.
gnomAD v4.1: 5 of 1,612,914 alleles (0.00031%); highest among the groups gnomAD compares: Non-Finnish European, 0.00042%; no homozygotes.

Submission:

Labcorp Genetics (formerly Invitae), Labcorp
Classification: Uncertain significance for Mitochondrial complex V (ATP synthase) deficiency, nuclear type 2. Last evaluated: 2024-06-25. Review status: criteria provided, single submitter. Criteria: Invitae Variant Classification Sherloc (09022015). Collection method: clinical testing. Allele origin: germline.
Comment: This sequence change replaces methionine, which is neutral and non-polar, with valine, which is neutral and non-polar, at codon 247 of the TMEM70 protein (p.Met247Val). This variant is present in population databases (no rsID available, gnomAD 0.007%). This variant has not been reported in the literature in individuals affected with TMEM70-related conditions. ClinVar contains an entry for this variant (Variation ID: 660769). Algorithms developed to predict the effect of missense changes on protein structure and function output the following: SIFT: "Not Available"; PolyPhen-2: "Benign"; Align-GVGD: "Not Available". The valine amino acid residue is found in multiple mammalian species, which suggests that this missense change does not adversely affect protein function. In summary, the available evidence is currently insufficient to determine the role of this variant in disease. Therefore, it has been classified as a Variant of Uncertain Significance.